The following is an entry in ClinVar:

ClinVar aggregate classification (germline): Uncertain significance (1 of 4 stars; one submission).

Conditions:
Inborn genetic diseases. Identifiers: MedGen C0950123, MeSH D030342.

gnomAD v4.1: 3 of 1,612,952 alleles (0.00019%); highest among the groups gnomAD compares: Non-Finnish European, 0.00025%; no homozygotes.

Submission:

Ambry Genetics
Classification: Uncertain significance for Inborn genetic diseases. Last evaluated: 2025-02-12. Review status: criteria provided, single submitter. Criteria: Ambry Variant Classification Scheme 2023. Collection method: clinical testing. Allele origin: germline.
Comment: The p.D1222Y variant (also known as c.3664G>T), located in coding exon 14 of the FANCM gene, results from a G to T substitution at nucleotide position 3664. The aspartic acid at codon 1222 is replaced by tyrosine, an amino acid with highly dissimilar properties. This amino acid position is conserved. In addition, the in silico prediction for this alteration is inconclusive. Based on the available evidence, the clinical significance of this variant remains unclear.

NM_020937.4(FANCM):c.3664G>T (p.Asp1222Tyr)

Gene: FANCM (FA complementation group M; plus strand). Cytogenetic location: 14q21.2.
Variant type: single nucleotide variant.
Coding change: c.3664G>T on transcript NM_020937.4 (MANE Select); coding-DNA position 3664, G replaced by T.
Protein change: p.Asp1222Tyr; replaces aspartic acid 1222 with tyrosine.
Molecular consequence: missense variant.
Genome position (GRCh38, 1-based): chr14:45,176,418, G>T. VCF-style: chr14-45176418-G-T. GRCh37 (hg19) VCF-style: chr14-45645621-G-T.
Other names: c.3586G>T, p.Asp1196Tyr (NM_001308133.2); short protein forms D1222Y, D1196Y.
Identifiers: ClinVar variation 3848725 (VCV003848725.1).